The following is an entry in ClinVar:

ClinVar aggregate classification (germline): Uncertain significance (1 of 4 stars; one submission).

Conditions:
Congenital sideroblastic anemia-B-cell immunodeficiency-periodic fever-developmental delay syndrome. Also called: Sideroblastic anemia with B-cell immunodeficiency, periodic fevers, and developmental delay. Identifiers: Orphanet 369861, MedGen C4015172, MONDO:0014487, OMIM 616084.

Allele frequency attached by ClinVar (database versions not stated): gnomAD exomes below 0.00001.
gnomAD v4.1: 1 of 1,614,010 alleles (0.000062%); highest among the groups gnomAD compares: Non-Finnish European, 0.000085%; no homozygotes.

Submission:

Labcorp Genetics (formerly Invitae), Labcorp
Classification: Uncertain significance for Congenital sideroblastic anemia-B-cell immunodeficiency-periodic fever-developmental delay syndrome. Last evaluated: 2022-05-04. Review status: criteria provided, single submitter. Criteria: Invitae Variant Classification Sherloc (09022015). Collection method: clinical testing. Allele origin: germline.
Comment: In summary, the available evidence is currently insufficient to determine the role of this variant in disease. Therefore, it has been classified as a Variant of Uncertain Significance. Algorithms developed to predict the effect of missense changes on protein structure and function (SIFT, PolyPhen-2, Align-GVGD) all suggest that this variant is likely to be tolerated. This variant has not been reported in the literature in individuals affected with TRNT1-related conditions. This variant is not present in population databases (gnomAD no frequency). This sequence change replaces isoleucine, which is neutral and non-polar, with valine, which is neutral and non-polar, at codon 315 of the TRNT1 protein (p.Ile315Val).

NM_182916.3(TRNT1):c.943A>G (p.Ile315Val)

Gene: TRNT1 (tRNA nucleotidyl transferase 1; plus strand). Cytogenetic location: 3p26.2.
Variant type: single nucleotide variant.
Coding change: c.943A>G on transcript NM_182916.3 (MANE Select); coding-DNA position 943, A replaced by G.
Protein change: p.Ile315Val; replaces isoleucine 315 with valine.
Molecular consequence: missense variant. On other transcripts: non-coding transcript variant (8).
Genome position (GRCh38, 1-based): chr3:3,147,590, A>G. VCF-style: chr3-3147590-A-G. GRCh37 (hg19) VCF-style: chr3-3189274-A-G.
Other names: c.883A>G, p.Ile295Val (NM_001302946.2); c.943A>G, p.Ile315Val (NM_001367321.1, NM_001367322.1, NM_001367323.1); short protein forms I295V, I315V.
Identifiers: ClinVar variation 2133596 (VCV002133596.4), dbSNP rs2471350999, ClinGen allele CA351447793.